The following is an entry in ClinVar:

ClinVar aggregate classification (germline): Uncertain significance. Review status: criteria provided, multiple submitters, no conflicts (2 of 4 stars). 2 submissions from 2 submitters: Uncertain significance (2). Last evaluated 2025-08-14.

Conditions:
TNFRSF6B-related disorder. Also called: TNFRSF6B-related condition.

Allele frequency attached by ClinVar (database versions not stated): 1000 Genomes Project 30x 0.00016; 1000 Genomes Project 0.00020.
gnomAD v4.1: 25 of 1,605,530 alleles (0.0016%); highest among the groups gnomAD compares: African/African-American, 0.028%; no homozygotes.

Submissions (2):

Labcorp Genetics (formerly Invitae), Labcorp
Classification: Uncertain significance. Last evaluated: 2025-08-14. Review status: criteria provided, single submitter. Criteria: Invitae Variant Classification Sherloc (09022015). Collection method: clinical testing. Allele origin: germline.
Comment: This sequence change replaces arginine, which is basic and polar, with leucine, which is neutral and non-polar, at codon 103 of the TNFRSF6B protein (p.Arg103Leu). The frequency data for this variant in the population databases is considered unreliable, as metrics indicate poor data quality at this position in the gnomAD database. This variant has not been reported in the literature in individuals affected with TNFRSF6B-related conditions. ClinVar contains an entry for this variant (Variation ID: 1497632). An algorithm developed to predict the effect of missense changes on protein structure and function (PolyPhen-2) suggests that this variant is likely to be disruptive. In summary, the available evidence is currently insufficient to determine the role of this variant in disease. Therefore, it has been classified as a Variant of Uncertain Significance.

PreventionGenetics, part of Exact Sciences
Classification: Uncertain significance for TNFRSF6B-related condition. Last evaluated: 2025-07-11. Review status: criteria provided, single submitter. Criteria: ACMG Guidelines, 2015. Collection method: clinical testing. Allele origin: germline.
Comment: The TNFRSF6B c.308G>T variant is predicted to result in the amino acid substitution p.Arg103Leu. To our knowledge, this variant has not been reported in the literature. This variant is reported in 0.048% of alleles in individuals of African descent in gnomAD, which may be too common to be causative. Although we suspect that this variant may be benign, at this time, the clinical significance of this variant is uncertain due to the absence of conclusive functional and genetic evidence.

NM_003823.4(TNFRSF6B):c.308G>T (p.Arg103Leu)

Genes: RTEL1-TNFRSF6B (RTEL1-TNFRSF6B readthrough (NMD candidate); plus strand), TNFRSF6B (TNF receptor superfamily member 6b; plus strand). Cytogenetic location: 20q13.33.
Variant type: single nucleotide variant.
Coding change: c.308G>T on transcript NM_003823.4 (MANE Select); coding-DNA position 308, G replaced by T.
Protein change: p.Arg103Leu; replaces arginine 103 with leucine.
Molecular consequence: missense variant. On other transcripts: non-coding transcript variant (1).
Genome position (GRCh38, 1-based): chr20:63,697,075, G>T. VCF-style: chr20-63697075-G-T. GRCh37 (hg19) VCF-style: chr20-62328428-G-T.
Other names: c.308G>T (NM_003823.3); short protein forms R103L.
Identifiers: ClinVar variation 1497632 (VCV001497632.9), dbSNP rs140998392, ClinGen allele CA9966406.